The following is an entry in ClinVar:

NM_014141.6(CNTNAP2):c.3775A>G (p.Arg1259Gly)

Gene: CNTNAP2 (contactin associated protein 2; plus strand). Cytogenetic location: 7q36.1.
Variant type: single nucleotide variant.
Coding change: c.3775A>G on transcript NM_014141.6 (MANE Select); coding-DNA position 3775, A replaced by G.
Protein change: p.Arg1259Gly; replaces arginine 1259 with glycine.
Molecular consequence: missense variant.
Genome position (GRCh38, 1-based): chr7:148,409,450, A>G. VCF-style: chr7-148409450-A-G. GRCh37 (hg19) VCF-style: chr7-148106542-A-G.
Other names: short protein forms R1259G.
Identifiers: ClinVar variation 659838 (VCV000659838.11), dbSNP rs1585354447, ClinGen allele CA369706589.

ClinVar aggregate classification (germline): Uncertain significance (1 of 4 stars; one submission).

Conditions:
Cortical dysplasia-focal epilepsy syndrome (PTHSL1). Also called: Pitt-Hopkins-like syndrome 1. Identifiers: Orphanet 163681, Orphanet 221150, MedGen C2750246, MONDO:0012400, OMIM 610042.

Submission:

Labcorp Genetics (formerly Invitae), Labcorp
Classification: Uncertain significance for Cortical dysplasia-focal epilepsy syndrome. Last evaluated: 2020-11-17. Review status: criteria provided, single submitter. Criteria: Invitae Variant Classification Sherloc (09022015). Collection method: clinical testing. Allele origin: germline.
Comment: This variant is not present in population databases (ExAC no frequency). This variant has not been reported in the literature in individuals with CNTNAP2-related disease. Algorithms developed to predict the effect of missense changes on protein structure and function are either unavailable or do not agree on the potential impact of this missense change (SIFT: "Deleterious"; PolyPhen-2: "Benign"; Align-GVGD: "Class C65"). In summary, the available evidence is currently insufficient to determine the role of this variant in disease. Therefore, it has been classified as a Variant of Uncertain Significance. This sequence change replaces arginine with glycine at codon 1259 of the CNTNAP2 protein (p.Arg1259Gly). The arginine residue is highly conserved and there is a moderate physicochemical difference between arginine and glycine.